The following is an entry in ClinVar:

NM_014363.6(SACS):c.2593A>T (p.Lys865Ter)

Gene: SACS (sacsin molecular chaperone; minus strand). Cytogenetic location: 13q12.12.
Variant type: single nucleotide variant.
Coding change: c.2593A>T on transcript NM_014363.6 (MANE Select); coding-DNA position 2593, A replaced by T.
Protein change: p.Lys865Ter; replaces lysine 865 with a stop codon.
Molecular consequence: nonsense.
Genome position (GRCh38, 1-based): chr13:23,341,283, T>A on the plus strand (A>T on the coding strand, the complement: SACS is on the minus strand). VCF-style: chr13-23341283-T-A. GRCh37 (hg19) VCF-style: chr13-23915422-T-A.
Other names: c.2152A>T, p.Lys718Ter (NM_001278055.2); short protein forms K718*, K865*.
Identifiers: ClinVar variation 1256210 (VCV001256210.1), dbSNP rs1566072001, ClinGen allele CA387538690.

ClinVar aggregate classification (germline): Pathogenic (1 of 4 stars; one submission).

Submission:

Athena Diagnostics
Classification: Pathogenic. Last evaluated: 2021-05-26. Review status: criteria provided, single submitter. Criteria: Athena Diagnostics criteria. Collection method: clinical testing. Allele origin: unknown.
Comment: This variant is expected to result in the loss of a functional protein. This variant has not been reported in large, multi-ethnic general populations. This variant has been identified in at least one individual with clinical features associated with this gene.